The following is an entry in ClinVar:

NM_004409.5(DMPK):c.*224CTG[52]

Genes: DM1-AS (DM1 locus antisense RNA; plus strand), DMPK (DM1 protein kinase; minus strand), LOC107075317 (origin of replication in DMPK trinucleotide repeat region; plus strand), LOC109461477 (dystrophia myotonica protein kinase repeat instability region; plus strand). Cytogenetic location: 19q13.32.
Variant type: Microsatellite.
Coding change: c.*224CTG[52] on transcript NM_004409.5 (MANE Select); 52 copies in a row of the 3-base unit CTG starting at c.*224.
Molecular consequence: 3 prime UTR variant.
Genome position: GRCh38, VCF-style position (the base before the change): chr19:45,770,204. GRCh37 (hg19), VCF-style position (the base before the change): chr19:46,273,462.
Other names: DM1 CTG repeat expansion; c.*369CTG[52] (NM_001424164.1, NM_001424168.1, NM_001288766.2); c.*224CTG[52] (NM_001424165.1, NM_001424169.1, NM_001081560.3 and 1 more transcripts); c.*217CTG[52] (NM_001424166.1, NM_001424163.1, NM_001081562.3 and 2 more transcripts); c.*222_*224TGC[52] (NM_001081563.3).
Identifiers: ClinVar variation 187997 (VCV000187997.3), ClinGen allele CA915951821.

ClinVar aggregate classification (germline): Pathogenic. Review status: criteria provided, single submitter (1 of 4 stars). 2 submissions from 2 submitters: Pathogenic (1). 1 of the submissions does not count toward it. Last evaluated 2019-11-26.

Conditions:
Steinert myotonic dystrophy syndrome (DM1). Also called: STEINERT DISEASE; Myotonic dystrophy type 1; Dystrophia myotonica type 1; Steinert myotonic dystrophy; Steinert's disease. Identifiers: Orphanet 273, MedGen C3250443, MONDO:0008056, OMIM 160900.

Submissions (2):

Neuromuscular Research, Maastricht University Medical Centre
Classification: Pathogenic for Steinert myotonic dystrophy syndrome. Last evaluated: 2019-11-26. Review status: criteria provided, single submitter. Criteria: Best practice guidelines on molecular diagnosis DM1 and DM2, Kamsteeg et al. 2012. Collection method: clinical testing. Allele origin: inherited, maternal. Affected: yes.

Institute of Molecular, Cell and Systems Biology, University of Glasgow
Classification: Pathogenic for Steinert myotonic dystrophy syndrome. Review status: no assertion criteria provided. Criteria: research. Collection method: research. Allele origin: germline. Inheritance: Autosomal dominant inheritance. Affected: yes. Observed: 2 heterozygotes. Not counted in ClinVar's aggregate classification.
Comment: DMPK CTG repeat expansions greater than approximately 45-50 repeats are assumed to be pathogenic

This record is based on data published in PubMed 25052313, which reports only ClinVar accessions SCV000120188 and SCV000120189. The complete data set includes SCV000207445 - SCV000207579.

Literature cited by the submitters: PubMed 32203199 (cited by Neuromuscular Research, Maastricht University Medical Centre); PubMed 1346923 (cited by Institute of Molecular, Cell and Systems Biology, University of Glasgow); PubMed 1546326 (cited by Institute of Molecular, Cell and Systems Biology, University of Glasgow); PubMed 25052313 (cited by Institute of Molecular, Cell and Systems Biology, University of Glasgow).